The following is an entry in ClinVar:

NM_002907.4(RECQL):c.-411A>C

Gene: RECQL (RecQ like helicase; minus strand). Cytogenetic location: 12p12.1.
Variant type: single nucleotide variant.
Coding change: c.-411A>C on transcript NM_002907.4 (MANE Select); 411 bases upstream of the start codon, A replaced by C.
Molecular consequence: 5 prime UTR variant.
Genome position (GRCh38, 1-based): chr12:21,501,535, T>G on the plus strand (A>C on the coding strand, the complement: RECQL is on the minus strand). VCF-style: chr12-21501535-T-G. GRCh37 (hg19) VCF-style: chr12-21654469-T-G.
Other names: c.-214A>C (NM_032941.3).
Identifiers: ClinVar variation 679709 (VCV000679709.2), dbSNP rs1061626, ClinGen allele CA13762963.

ClinVar aggregate classification (germline): Benign. Review status: criteria provided, multiple submitters, no conflicts (2 of 4 stars). 2 submissions from 2 submitters: Benign (2). Last evaluated 2018-06-20.

Allele frequency attached by ClinVar (database versions not stated): gnomAD exomes 0.12267; 1000 Genomes Project 0.18231; gnomAD 0.22125 and 0.23236; TOPMed 0.23500.
gnomAD v4.1: 43,373 of 231,458 alleles (19%); highest among the groups gnomAD compares: African/African-American, 45%; 5,886 homozygotes.

Submissions (2):

GeneDx
Classification: Benign. Last evaluated: 2018-06-20. Review status: criteria provided, single submitter. Criteria: GeneDx Variant Classification (06012015). Collection method: clinical testing. Allele origin: germline. Affected: yes.
Comment: This variant is considered likely benign or benign based on one or more of the following criteria: it is a conservative change, it occurs at a poorly conserved position in the protein, it is predicted to be benign by multiple in silico algorithms, and/or has population frequency not consistent with disease.

Breakthrough Genomics
Classification: Benign. Review status: criteria provided, single submitter. Criteria: ACMG Guidelines, 2015. Collection method: not provided. Allele origin: germline. Inheritance: Unknown mechanism. Affected: yes.